The following is an entry in ClinVar:

NM_000138.5(FBN1):c.3533A>G (p.Tyr1178Cys)

Gene: FBN1 (fibrillin 1; minus strand). Cytogenetic location: 15q21.1.
Variant type: single nucleotide variant.
Coding change: c.3533A>G on transcript NM_000138.5 (MANE Select); coding-DNA position 3533, A replaced by G.
Protein change: p.Tyr1178Cys; replaces tyrosine 1178 with cysteine.
Molecular consequence: missense variant.
Genome position (GRCh38, 1-based): chr15:48,487,131, T>C on the plus strand (A>G on the coding strand, the complement: FBN1 is on the minus strand). VCF-style: chr15-48487131-T-C. GRCh37 (hg19) VCF-style: chr15-48779328-T-C.
Other names: short protein forms Y1178C.
Identifiers: ClinVar variation 549171 (VCV000549171.14), dbSNP rs1555398515, ClinGen allele CA392325087.

ClinVar aggregate classification (germline): Likely pathogenic. Review status: criteria provided, multiple submitters, no conflicts (2 of 4 stars). 4 submissions from 4 submitters: Likely pathogenic (3). 1 of the submissions does not count toward it. Last evaluated 2025-07-15.

Conditions:
Familial thoracic aortic aneurysm and aortic dissection (TAAD). Also called: Thoracic aortic aneurysms and dissections. Identifiers: Orphanet 91387, MedGen C4707243, MONDO:0019625.
Marfan syndrome (MFS). Also called: Marfan syndrome type 1; Marfan syndrome, classic; Marfan's syndrome; FBN1-Related Marfan Syndrome; MARFAN SYNDROME, TYPE I. Identifiers: Orphanet 284963, Orphanet 558, MedGen C0024796, MONDO:0007947, OMIM 154700.

Submissions (4):

GeneDx
Classification: Likely pathogenic. Last evaluated: 2025-07-15. Review status: criteria provided, single submitter. Criteria: GeneDx Variant Classification Process June 2021. Collection method: clinical testing. Allele origin: germline. Affected: yes.
Comment: Not observed at significant frequency in large population cohorts (gnomAD); In silico analysis supports that this missense variant has a deleterious effect on protein structure/function; Introduces a new cysteine residue within an EGF-like domain of the FBN1 gene, which may affect disulfide bonding and is predicted to alter the structure and function of the protein; cysteine substitutions in the EGF-like domains represent the majority of pathogenic missense changes associated with FBN1-related disorders (PMID: 12938084); Reported in association with Marfan syndrome in published literature (PMID: 19293843, 32679894); This variant is associated with the following publications: (PMID: 32679894, 32123317, 12938084, 19293843, 34663891)

Labcorp Genetics (formerly Invitae), Labcorp
Classification: Likely pathogenic for Marfan syndrome; Familial thoracic aortic aneurysm and aortic dissection. Last evaluated: 2021-11-14. Review status: criteria provided, single submitter. Criteria: Invitae Variant Classification Sherloc (09022015). Collection method: clinical testing. Allele origin: germline.
Comment: This variant is not present in population databases (gnomAD no frequency). In summary, the currently available evidence indicates that the variant is pathogenic, but additional data are needed to prove that conclusively. Therefore, this variant has been classified as Likely Pathogenic. Advanced modeling of protein sequence and biophysical properties (such as structural, functional, and spatial information, amino acid conservation, physicochemical variation, residue mobility, and thermodynamic stability) performed at Invitae indicates that this missense variant is expected to disrupt FBN1 protein function. ClinVar contains an entry for this variant (Variation ID: 549171). This missense change has been observed in individual(s) with Marfan syndrome (PMID: 19293843, 32679894). This sequence change replaces tyrosine, which is neutral and polar, with cysteine, which is neutral and slightly polar, at codon 1178 of the FBN1 protein (p.Tyr1178Cys).

ARUP Laboratories, Molecular Genetics and Genomics, ARUP Laboratories
Classification: Likely pathogenic. Last evaluated: 2018-04-17. Review status: criteria provided, single submitter. Criteria: ARUP Molecular Germline Variant Investigation Process. Collection method: clinical testing. Allele origin: germline.
Comment: The FBN1 c.3533A>G; p.Tyr1178Cys variant is reported in the medical literature in at least one individual with familial classical Marfan syndrome (Stheneur 2009). The variant is also listed in three individuals in the FBN1 variant database (see link below). This variant is absent from general population databases (1000 Genomes Project, Exome Variant Server, and Genome Aggregation Database), indicating it is not a common polymorphism. This variant occurs in a cysteine residue in one of the calcium binding EGF-like domains of fibrillin-1 (Wu 1995). Each EGF-like domain contains six highly-conserved cysteines and the disulfide bridges formed between these residues are essential for protein folding; loss of one of these cysteines may interfere with proper disulfide bridge formation, disrupting protein structure. Accordingly, the revised Ghent nosology for Marfan syndrome lists missense variants of cysteine residues as one of the criteria for classification of a variant as pathogenic (Loeys 2010). Considering available information, this variant is classified as likely pathogenic. References: Link to FBN1 UMD database: Loeys et al. The revised Ghent nosology for the Marfan syndrome. J. Med. Genet. 2010 47(7): 476-85. Stheneur C et al. Identification of the minimal combination of clinical features in probands for efficient mutation detection in the FBN1 gene. Eur J Hum Genet. 2009 Sep;17(9):1121-8. Wu et al. Fibrillin domain folding and calcium binding: significance to Marfan syndrome. Chem. Biol. 1995 2(2):91-7.

Center for Medical Genetics Ghent, University of Ghent
Classification: Likely pathogenic for Marfan syndrome. Last evaluated: 2017-11-07. Review status: no assertion criteria provided. Collection method: clinical testing. Allele origin: germline. Affected: yes. Not counted in ClinVar's aggregate classification.

Literature cited by the submitters: PubMed 19293843 (cited by Labcorp Genetics (formerly Invitae), Labcorp); PubMed 32679894 (cited by Labcorp Genetics (formerly Invitae), Labcorp).